The following is an entry in ClinVar:

NM_001010892.3(RSPH4A):c.1894G>A (p.Ala632Thr)

Gene: RSPH4A (radial spoke head component 4A; plus strand). Cytogenetic location: 6q22.1.
Variant type: single nucleotide variant.
Coding change: c.1894G>A on transcript NM_001010892.3 (MANE Select); coding-DNA position 1894, G replaced by A.
Protein change: p.Ala632Thr; replaces alanine 632 with threonine.
Molecular consequence: missense variant. On other transcripts: synonymous variant (1).
Genome position (GRCh38, 1-based): chr6:116,630,530, G>A. VCF-style: chr6-116630530-G-A. GRCh37 (hg19) VCF-style: chr6-116951693-G-A.
Other names: c.1758G>A, p.Glu586= (NM_001161664.2); c.1894G>A (NM_001010892.2); short protein forms A632T.
Identifiers: ClinVar variation 1702954 (VCV001702954.2), dbSNP rs2115365669, ClinGen allele CA365410433.

ClinVar aggregate classification (germline): Uncertain significance. Review status: criteria provided, multiple submitters, no conflicts (2 of 4 stars). 2 submissions from 2 submitters: Uncertain significance (2). Last evaluated 2026-08-10.

Conditions:
Primary ciliary dyskinesia 11. Also called: CILIARY DYSKINESIA, PRIMARY, 11, WITHOUT SITUS INVERSUS. Identifiers: Orphanet 244, MedGen C2675229, MONDO:0012978, OMIM 612649.
RSPH4A-related disorder. Also called: RSPH4A-related condition.

Submissions (2):

PreventionGenetics, part of Exact Sciences
Classification: Uncertain significance for RSPH4A-related condition. Last evaluated: 2026-08-10. Review status: criteria provided, single submitter. Criteria: ACMG Guidelines, 2015. Collection method: clinical testing. Allele origin: germline.
Comment: The RSPH4A c.1894G>A variant is predicted to result in the amino acid substitution p.Ala632Thr. To our knowledge, this variant has not been reported in the literature or in a large population database (gnomAD), indicating this variant is rare. At this time, the clinical significance of this variant is uncertain due to the absence of conclusive functional and genetic evidence.

Department of Human Genetics, Hannover Medical School
Classification: Uncertain significance for Primary ciliary dyskinesia 11. Last evaluated: 2022-08-25. Review status: criteria provided, single submitter. Criteria: ACMG Guidelines, 2015. Collection method: clinical testing. Allele origin: germline.
Comment: The variant is not yet known in the Clinvar and LOVD variant databases or in the literature. It is also not listed in the population database gnomAD. This missense variant affects an evolutionarily highly conserved amino acid. The physicochemical difference between the original (alanine) and the newly evolved amino acid (threonine) is small. In silico analysis of the variant suggests that it may be a pathogenic variant.